The following is an entry in ClinVar:

ClinVar aggregate classification (germline): Benign/Likely benign. Review status: criteria provided, multiple submitters, no conflicts (2 of 4 stars). 4 submissions from 4 submitters: Benign (1); Likely benign (3). Last evaluated 2025-12-08.

Allele frequency attached by ClinVar (database versions not stated): ExAC 0.00002; gnomAD exomes 0.00002 and 0.00004; gnomAD 0.00003; TOPMed 0.00005.
gnomAD v4.1: 35 of 1,613,998 alleles (0.0022%); highest among the groups gnomAD compares: South Asian, 0.02%; no homozygotes.

Submissions (4):

Labcorp Genetics (formerly Invitae), Labcorp
Classification: Benign. Last evaluated: 2025-12-08. Review status: criteria provided, single submitter. Criteria: Invitae Variant Classification Sherloc (09022015). Collection method: clinical testing. Allele origin: germline.

Blueprint Genetics
Classification: Likely benign. Last evaluated: 2023-12-12. Review status: criteria provided, single submitter. Criteria: ACMG Guidelines, 2015. Collection method: clinical testing. Allele origin: germline.

CeGaT Center for Human Genetics Tuebingen
Classification: Likely benign. Last evaluated: 2020-09-01. Review status: criteria provided, single submitter. Criteria: CeGaT Center For Human Genetics Tuebingen Variant Classification Criteria Version 2. Collection method: clinical testing. Allele origin: germline. Affected: yes. Observed: 1 variant allele.

Laboratory for Molecular Medicine, Mass General Brigham Personalized Medicine
Classification: Likely benign. Last evaluated: 2014-08-19. Review status: criteria provided, single submitter. Criteria: LMM Criteria. Collection method: clinical testing. Allele origin: germline. Observed: 1 variant allele.
Comment: Thr156Thr in exon 3 of MYH9: This variant is not expected to have clinical signi ficance because it does not alter an amino acid residue and is not located withi n the splice consensus sequence.

NM_002473.6(MYH9):c.468C>T (p.Thr156=)

Gene: MYH9 (myosin heavy chain 9; minus strand). Cytogenetic location: 22q12.3.
Variant type: single nucleotide variant.
Coding change: c.468C>T on transcript NM_002473.6 (MANE Select); coding-DNA position 468, C replaced by T.
Protein change: p.Thr156=; no amino-acid change (threonine 156 retained).
Molecular consequence: synonymous variant.
Genome position (GRCh38, 1-based): chr22:36,341,392, G>A on the plus strand (C>T on the coding strand, the complement: MYH9 is on the minus strand). VCF-style: chr22-36341392-G-A. GRCh37 (hg19) VCF-style: chr22-36737437-G-A.
Identifiers: ClinVar variation 164465 (VCV000164465.47), dbSNP rs727503293, ClinGen allele CA177157.